The following is an entry in ClinVar:

ClinVar aggregate classification (germline): Likely benign (1 of 4 stars; one submission).

Allele frequency attached by ClinVar (database versions not stated): 1000 Genomes Project 30x 0.00062.

Submission:

CeGaT Center for Human Genetics Tuebingen
Classification: Likely benign. Last evaluated: 2026-09-01. Review status: criteria provided, single submitter. Criteria: CeGaT Center For Human Genetics Tuebingen Variant Classification Criteria Version 2. Collection method: clinical testing. Allele origin: germline. Affected: yes. Observed: 19 variant alleles.
Comment: AHNAK: BP4, BP7

NM_001620.3(AHNAK):c.14463A>T (p.Pro4821=)

Gene: AHNAK (AHNAK nucleoprotein; minus strand). Cytogenetic location: 11q12.3.
Variant type: single nucleotide variant.
Coding change: c.14463A>T on transcript NM_001620.3 (MANE Select); coding-DNA position 14463, A replaced by T.
Protein change: p.Pro4821=; no amino-acid change (proline 4821 retained).
Molecular consequence: synonymous variant. On other transcripts: intron variant (1).
Genome position (GRCh38, 1-based): chr11:62,519,954, T>A on the plus strand (A>T on the coding strand, the complement: AHNAK is on the minus strand). VCF-style: chr11-62519954-T-A. GRCh37 (hg19) VCF-style: chr11-62287426-T-A.
Other names: c.14463A>T, p.Pro4821= (NM_001346445.2, NM_001346446.2); c.342+15049A>T (NM_024060.4).
Identifiers: ClinVar variation 2641853 (VCV002641853.24), dbSNP rs1230458083, ClinGen allele CA475117628.